The following is an entry in ClinVar:

ClinVar aggregate classification (germline): Uncertain significance (1 of 4 stars; one submission).

Conditions:
EGFR-related lung cancer (EGFR). Identifiers: MedGen CN130014.

Submission:

Labcorp Genetics (formerly Invitae), Labcorp
Classification: Uncertain significance for EGFR-related lung cancer. Last evaluated: 2023-01-03. Review status: criteria provided, single submitter. Criteria: Invitae Variant Classification Sherloc (09022015). Collection method: clinical testing. Allele origin: germline.
Comment: This sequence change replaces valine, which is neutral and non-polar, with alanine, which is neutral and non-polar, at codon 1133 of the EGFR protein (p.Val1133Ala). This variant is not present in population databases (gnomAD no frequency). This variant has not been reported in the literature in individuals affected with EGFR-related conditions. Algorithms developed to predict the effect of missense changes on protein structure and function (SIFT, PolyPhen-2, Align-GVGD) all suggest that this variant is likely to be tolerated. In summary, the available evidence is currently insufficient to determine the role of this variant in disease. Therefore, it has been classified as a Variant of Uncertain Significance.

NM_005228.5(EGFR):c.3398T>C (p.Val1133Ala)

Gene: EGFR (epidermal growth factor receptor; plus strand). Cytogenetic location: 7p11.2.
Variant type: single nucleotide variant.
Coding change: c.3398T>C on transcript NM_005228.5 (MANE Select); coding-DNA position 3398, T replaced by C.
Protein change: p.Val1133Ala; replaces valine 1133 with alanine.
Molecular consequence: missense variant.
Genome position (GRCh38, 1-based): chr7:55,205,382, T>C. VCF-style: chr7-55205382-T-C. GRCh37 (hg19) VCF-style: chr7-55273075-T-C.
Other names: c.3263T>C, p.Val1088Ala (NM_001346899.2); c.3239T>C, p.Val1080Ala (NM_001346900.2); c.2597T>C, p.Val866Ala (NM_001346941.2); short protein forms V1133A, V1080A, V1088A, V866A.
Identifiers: ClinVar variation 2820641 (VCV002820641.3), dbSNP rs776448547, ClinGen allele CA367584532.
Genomic context (GRCh38, chr7:55,205,382, plus strand): 5'-AGCCTCTGAACCCCGCGCCCAGCAGAGACCCACACTACCAGGACCCCCACAGCACTGCAG[T>C]GGGCAACCCCGAGTATCTCAACACTGTCCAGCCCACCTGTGTCAACAGCACATTCGACAG-3'
Protein context (NP_005219.2, residues 1123-1143): PHYQDPHSTA[Val1133Ala]GNPEYLNTVQ